The following is an entry in ClinVar:

NM_000117.3(EMD):c.295T>C (p.Tyr99His)

Gene: EMD (emerin; plus strand). Cytogenetic location: Xq28.
Variant type: single nucleotide variant.
Coding change: c.295T>C on transcript NM_000117.3 (MANE Select); coding-DNA position 295, T replaced by C.
Protein change: p.Tyr99His; replaces tyrosine 99 with histidine.
Molecular consequence: missense variant.
Genome position (GRCh38, 1-based): chrX:154,380,263, T>C. VCF-style: chrX-154380263-T-C. GRCh37 (hg19) VCF-style: chrX-153608623-T-C.
Other names: short protein forms Y99H.
Identifiers: ClinVar variation 290505 (VCV000290505.13), dbSNP rs781835089, ClinGen allele CA10561569.
Genomic context (GRCh38, chrX:154,380,263, plus strand): 5'-CCCCTCTGCTACCGCTGCCCCCCTTCCCAAGGCTACAATGACGACTACTATGAAGAGAGC[T>C]ACTTCACCACCAGGACTTATGGGGAGCCCGAGTCTGCCGGCCCGTCCAGGGCTGTCCGCC-3'
Protein context (NP_000108.1, residues 89-109): GYNDDYYEES[Tyr99His]FTTRTYGEPE

ClinVar aggregate classification (germline): Uncertain significance. Review status: criteria provided, multiple submitters, no conflicts (2 of 4 stars). 2 submissions from 2 submitters: Uncertain significance (2). Last evaluated 2022-11-29.

Conditions:
X-linked Emery-Dreifuss muscular dystrophy. Also called: Muscular dystrophy, tardive Emery-Dreifuss type, with contractures. Identifiers: Orphanet 261, Orphanet 98863, MedGen C0751337, MONDO:0010680.

Allele frequency attached by ClinVar (database versions not stated): gnomAD exomes below 0.00001 and 0.00001; ExAC 0.00001.

Submissions (2):

Labcorp Genetics (formerly Invitae), Labcorp
Classification: Uncertain significance for X-linked Emery-Dreifuss muscular dystrophy. Last evaluated: 2022-11-29. Review status: criteria provided, single submitter. Criteria: Invitae Variant Classification Sherloc (09022015). Collection method: clinical testing. Allele origin: germline.
Comment: This variant is present in population databases (rs781835089, gnomAD 0.001%). This sequence change replaces tyrosine, which is neutral and polar, with histidine, which is basic and polar, at codon 99 of the EMD protein (p.Tyr99His). Advanced modeling of protein sequence and biophysical properties (such as structural, functional, and spatial information, amino acid conservation, physicochemical variation, residue mobility, and thermodynamic stability) performed at Invitae indicates that this missense variant is not expected to disrupt EMD protein function. In summary, the available evidence is currently insufficient to determine the role of this variant in disease. Therefore, it has been classified as a Variant of Uncertain Significance. ClinVar contains an entry for this variant (Variation ID: 290505). This variant has not been reported in the literature in individuals affected with EMD-related conditions.

Eurofins Ntd Llc (ga)
Classification: Uncertain significance. Last evaluated: 2016-08-29. Review status: criteria provided, single submitter. Criteria: EGL Classification Definitions 2015. Collection method: clinical testing. Allele origin: germline. Observed: 1 variant allele, 1 heterozygote.